The following is an entry in ClinVar:

NM_031471.6(FERMT3):c.1404C>T (p.Ala468=)

Gene: FERMT3 (FERM domain containing kindlin 3; plus strand). Cytogenetic location: 11q13.1.
Variant type: single nucleotide variant.
Coding change: c.1404C>T on transcript NM_031471.6 (MANE Select); coding-DNA position 1404, C replaced by T.
Protein change: p.Ala468=; no amino-acid change (alanine 468 retained).
Molecular consequence: synonymous variant.
Genome position (GRCh38, 1-based): chr11:64,220,528, C>T. VCF-style: chr11-64220528-C-T. GRCh37 (hg19) VCF-style: chr11-63988000-C-T.
Other names: p.Ala468=; c.1404C>T, p.Ala468= (NM_001382361.1, NM_001382448.1); c.1416C>T, p.Ala472= (NM_001382362.1, NM_178443.3); c.864C>T, p.Ala288= (NM_001382363.1); c.876C>T, p.Ala292= (NM_001382364.1).
Identifiers: ClinVar variation 497277 (VCV000497277.18), dbSNP rs201501349, ClinGen allele CA6069153.

ClinVar aggregate classification (germline): Benign/Likely benign. Review status: criteria provided, multiple submitters, no conflicts (2 of 4 stars). 5 submissions from 5 submitters: Benign (1); Likely benign (4). Last evaluated 2026-01-06.

Conditions:
Leukocyte adhesion deficiency 3. Also called: Leukocyte adhesion deficiency, type III; INTEGRIN ACTIVATION DEFICIENCY DISEASE; LEUKOCYTE ADHESION DEFICIENCY 1 VARIANT. Identifiers: Orphanet 2968, Orphanet 99844, MedGen C2748536, MONDO:0013016, OMIM 612840.

Allele frequency attached by ClinVar (database versions not stated): gnomAD exomes 0.00050; ExAC 0.00066; 1000 Genomes Project 0.00160; gnomAD 0.00170 and 0.00188; 1000 Genomes Project 30x 0.00187; ESP Exome Variant Server 0.00194; TOPMed 0.00221.
gnomAD v4.1: 559 of 1,607,960 alleles (0.035%); highest among the groups gnomAD compares: African/African-American, 0.66%; 3 homozygotes.

Submissions (5):

Labcorp Genetics (formerly Invitae), Labcorp
Classification: Benign for Leukocyte adhesion deficiency 3. Last evaluated: 2026-01-06. Review status: criteria provided, single submitter. Criteria: Invitae Variant Classification Sherloc (09022015). Collection method: clinical testing. Allele origin: germline.

Mayo Clinic Laboratories, Mayo Clinic
Classification: Likely benign. Last evaluated: 2025-08-07. Review status: criteria provided, single submitter. Criteria: ACMG Guidelines, 2015. Collection method: clinical testing. Allele origin: germline. Observed: 1 variant allele.
Comment: BS1_moderate, BS2, BP4, BP7

Blueprint Genetics
Classification: Likely benign. Last evaluated: 2024-09-05. Review status: criteria provided, single submitter. Criteria: ACMG Guidelines, 2015. Collection method: clinical testing. Allele origin: germline.

Eurofins Ntd Llc (ga)
Classification: Likely benign. Last evaluated: 2016-10-07. Review status: criteria provided, single submitter. Criteria: EGL Classification Definitions 2015. Collection method: clinical testing. Allele origin: germline. Observed: 1 variant allele, 1 heterozygote.

Breakthrough Genomics
Classification: Likely benign. Review status: criteria provided, single submitter. Criteria: ACMG Guidelines, 2015. Collection method: not provided. Allele origin: germline. Inheritance: Autosomal recessive inheritance. Affected: yes.